The following is an entry in ClinVar:

ClinVar aggregate classification (germline): Likely benign (1 of 4 stars; one submission).

Submission:

CeGaT Center for Human Genetics Tuebingen
Classification: Likely benign. Last evaluated: 2022-11-01. Review status: criteria provided, single submitter. Criteria: CeGaT Center For Human Genetics Tuebingen Variant Classification Criteria Version 2. Collection method: clinical testing. Allele origin: germline. Affected: yes. Observed: 2 variant alleles.
Comment: MYBPC3: BP4, BP7

NM_000256.3(MYBPC3):c.924G>C (p.Pro308=)

Gene: MYBPC3 (myosin binding protein C3; minus strand). Cytogenetic location: 11p11.2.
Variant type: single nucleotide variant.
Coding change: c.924G>C on transcript NM_000256.3 (MANE Select); coding-DNA position 924, G replaced by C.
Protein change: p.Pro308=; no amino-acid change (proline 308 retained).
Molecular consequence: synonymous variant.
Genome position (GRCh38, 1-based): chr11:47,346,629, C>G on the plus strand (G>C on the coding strand, the complement: MYBPC3 is on the minus strand). VCF-style: chr11-47346629-C-G. GRCh37 (hg19) VCF-style: chr11-47368180-C-G.
Identifiers: ClinVar variation 1879202 (VCV001879202.29), dbSNP rs771875597, ClinGen allele CA474221087.